The following is an entry in ClinVar:

NM_001129.5(AEBP1):c.941-2A>G

Gene: AEBP1 (AE binding protein 1; plus strand). Cytogenetic location: 7p13.
Variant type: single nucleotide variant.
Coding change: c.941-2A>G on transcript NM_001129.5 (MANE Select); the canonical splice acceptor site of the intron before coding-DNA position 941, A replaced by G.
Molecular consequence: splice acceptor variant.
Genome position (GRCh38, 1-based): chr7:44,108,897, A>G. VCF-style: chr7-44108897-A-G. GRCh37 (hg19) VCF-style: chr7-44148496-A-G.
Identifiers: ClinVar variation 4762134 (VCV004762134.1).

ClinVar aggregate classification (germline): Likely pathogenic (1 of 4 stars; one submission).

gnomAD v4.1: 13 of 1,574,434 alleles (0.00083%); highest among the groups gnomAD compares: Non-Finnish European, 0.0011%; 1 homozygote.

Submission:

Labcorp Genetics (formerly Invitae), Labcorp
Classification: Likely pathogenic. Last evaluated: 2025-10-21. Review status: criteria provided, single submitter. Criteria: Invitae Variant Classification Sherloc (09022015). Collection method: clinical testing. Allele origin: germline.
Comment: This sequence change affects an acceptor splice site in intron 6 of the AEBP1 gene. It is expected to disrupt RNA splicing. Variants that disrupt the donor or acceptor splice site typically lead to a loss of protein function (PMID: 16199547), and loss-of-function variants in AEBP1 are known to be pathogenic (PMID: 29606302). This variant is not present in population databases (gnomAD no frequency). This variant has not been reported in the literature in individuals affected with AEBP1-related conditions. Algorithms developed to predict the effect of sequence changes on RNA splicing suggest that this variant may disrupt the consensus splice site. In summary, the currently available evidence indicates that the variant is pathogenic, but additional data are needed to prove that conclusively. Therefore, this variant has been classified as Likely Pathogenic.

Literature cited by the submitters: PubMed 16199547; PubMed 29606302.